The following is an entry in ClinVar:

ClinVar aggregate classification (germline): Uncertain significance. Review status: criteria provided, multiple submitters, no conflicts (2 of 4 stars). 3 submissions from 3 submitters: Uncertain significance (3). Last evaluated 2025-12-26.

Conditions:
Familial melanoma. Also called: Hereditary melanoma; Hereditary cutaneous melanoma. Identifiers: Orphanet 618, MedGen C1512419, MONDO:0018961.
Hereditary cancer-predisposing syndrome. Also called: Neoplastic Syndromes, Hereditary; Tumor predisposition; Hereditary Cancer Syndrome; Hereditary neoplastic syndrome. Identifiers: Orphanet 140162, MedGen C0027672, MeSH D009386, MONDO:0015356.

Submissions (3):

Ambry Genetics
Classification: Uncertain significance for Hereditary cancer-predisposing syndrome. Last evaluated: 2025-12-26. Review status: criteria provided, single submitter. Criteria: Ambry Variant Classification Scheme 2023. Collection method: clinical testing. Allele origin: germline.
Comment: The p.T149A variant (also known as c.445A>G), located in coding exon 3 of the CDK4 gene, results from an A to G substitution at nucleotide position 445. The threonine at codon 149 is replaced by alanine, an amino acid with similar properties. This amino acid position is well conserved in available vertebrate species. In addition, the in silico prediction for this alteration is inconclusive. Based on the available evidence, the clinical significance of this variant remains unclear.

Women's Health and Genetics/Laboratory Corporation of America, LabCorp
Classification: Uncertain significance. Last evaluated: 2025-07-31. Review status: criteria provided, single submitter. Criteria: LabCorp Variant Classification Summary - May 2015. Collection method: clinical testing. Allele origin: germline.
Comment: Variant summary: CDK4 c.445A>G (p.Thr149Ala) results in a non-conservative amino acid change in the encoded protein sequence. Algorithms developed to predict the effect of missense changes on protein structure and function are either unavailable or do not agree on the potential impact of this missense change. The variant was absent in 251464 control chromosomes. The available data on variant occurrences in the general population are insufficient to allow any conclusion about variant significance. c.445A>G has been observed in at least one individual with bilary tract cancer, without strong evidence of causality (example: Okawa_2023). This report does not provide unequivocal conclusions about association of the variant with Cutaneous Malignant Melanoma. To our knowledge, no experimental evidence demonstrating an impact on protein function has been reported. The following publication has been ascertained in the context of this evaluation (PMID: 36243179). ClinVar contains an entry for this variant (Variation ID: 1969983). Based on the evidence outlined above, the variant was classified as uncertain significance.

Labcorp Genetics (formerly Invitae), Labcorp
Classification: Uncertain significance for Familial melanoma. Last evaluated: 2022-11-15. Review status: criteria provided, single submitter. Criteria: Invitae Variant Classification Sherloc (09022015). Collection method: clinical testing. Allele origin: germline.
Comment: In summary, the available evidence is currently insufficient to determine the role of this variant in disease. Therefore, it has been classified as a Variant of Uncertain Significance. Advanced modeling of protein sequence and biophysical properties (such as structural, functional, and spatial information, amino acid conservation, physicochemical variation, residue mobility, and thermodynamic stability) performed at Invitae indicates that this missense variant is not expected to disrupt CDK4 protein function. This variant has not been reported in the literature in individuals affected with CDK4-related conditions. This variant is not present in population databases (gnomAD no frequency). This sequence change replaces threonine, which is neutral and polar, with alanine, which is neutral and non-polar, at codon 149 of the CDK4 protein (p.Thr149Ala).

Literature cited by the submitters: PubMed 36243179 (cited by Women's Health and Genetics/Laboratory Corporation of America, LabCorp).

NM_000075.4(CDK4):c.445A>G (p.Thr149Ala)

Gene: CDK4 (cyclin dependent kinase 4; minus strand). Cytogenetic location: 12q14.1.
Variant type: single nucleotide variant.
Coding change: c.445A>G on transcript NM_000075.4 (MANE Select); coding-DNA position 445, A replaced by G.
Protein change: p.Thr149Ala; replaces threonine 149 with alanine.
Molecular consequence: missense variant.
Genome position (GRCh38, 1-based): chr12:57,751,000, T>C on the plus strand (A>G on the coding strand, the complement: CDK4 is on the minus strand). VCF-style: chr12-57751000-T-C. GRCh37 (hg19) VCF-style: chr12-58144783-T-C.
Other names: c.445A>G (NM_000075.3); short protein forms T149A.
Identifiers: ClinVar variation 1969983 (VCV001969983.7), dbSNP rs2140386508, ClinGen allele CA385546469.
Genomic context (GRCh38, chr12:57,751,000, plus strand): 5'-TCTGGTAGCTGTAGATTCTGGCCAGGCCAAAGTCAGCCAGCTTGACTGTTCCACCACTTG[T>C]CACCAGAATGTTCTCTGGCTTCAGATCTCGGTGAACGATGCAATTGGCATGAAGGAAATC-3'
Protein context (NP_000066.1, residues 139-159): RDLKPENILV[Thr149Ala]SGGTVKLADF